The following is an entry in ClinVar:

ClinVar aggregate classification (germline): Uncertain significance (1 of 4 stars; one submission).

Conditions:
Hereditary cancer-predisposing syndrome. Also called: Neoplastic Syndromes, Hereditary; Tumor predisposition; Hereditary Cancer Syndrome; Hereditary neoplastic syndrome. Identifiers: Orphanet 140162, MedGen C0027672, MeSH D009386, MONDO:0015356.

Submission:

Ambry Genetics
Classification: Uncertain significance for Hereditary cancer-predisposing syndrome. Last evaluated: 2024-10-26. Review status: criteria provided, single submitter. Criteria: Ambry Variant Classification Scheme 2023. Collection method: clinical testing. Allele origin: germline.
Comment: The p.D756G variant (also known as c.2267A>G), located in coding exon 15 of the PDGFRA gene, results from an A to G substitution at nucleotide position 2267. The aspartic acid at codon 756 is replaced by glycine, an amino acid with similar properties. This amino acid position is conserved. In addition, this alteration is predicted to be deleterious by in silico analysis. Based on the available evidence, the clinical significance of this variant remains unclear.

NM_006206.6(PDGFRA):c.2267A>G (p.Asp756Gly)

Gene: PDGFRA (platelet derived growth factor receptor alpha; plus strand). Cytogenetic location: 4q12.
Variant type: single nucleotide variant.
Coding change: c.2267A>G on transcript NM_006206.6 (MANE Select); coding-DNA position 2267, A replaced by G.
Protein change: p.Asp756Gly; replaces aspartic acid 756 with glycine.
Molecular consequence: missense variant.
Genome position (GRCh38, 1-based): chr4:54,280,426, A>G. VCF-style: chr4-54280426-A-G. GRCh37 (hg19) VCF-style: chr4-55146593-A-G.
Other names: c.2267A>G, p.Asp756Gly (NM_001347827.2, NM_001347829.2); c.2342A>G, p.Asp781Gly (NM_001347828.2); c.2306A>G, p.Asp769Gly (NM_001347830.2); short protein forms D769G, D781G, D756G.
Identifiers: ClinVar variation 3416435 (VCV003416435.1).
Genomic context (GRCh38, chr4:54,280,426, plus strand): 5'-AGGCTGATACTACACAGTATGTCCCCATGCTAGAAAGGAAAGAGGTTTCTAAATATTCCG[A>G]CATCCAGAGATCACTCTATGATCGTCCAGCCTCATATAAGAAGAAATCTATGTTAGGTAA-3'
Protein context (NP_006197.1, residues 746-766): LERKEVSKYS[Asp756Gly]IQRSLYDRPA